The following is an entry in ClinVar:

ClinVar aggregate classification (germline): Uncertain significance. Review status: criteria provided, multiple submitters, no conflicts (2 of 4 stars). 2 submissions from 2 submitters: Uncertain significance (2). Last evaluated 2026-09-03.

Submissions (2):

GeneDx
Classification: Uncertain significance. Last evaluated: 2026-09-03. Review status: criteria provided, single submitter. Criteria: GeneDx Variant Classification Process June 2021. Collection method: clinical testing. Allele origin: germline.
Comment: In silico analysis supports that this missense variant has a deleterious effect on protein structure/function; This variant is associated with the following publications: (PMID: 26445815, Ajam-HosseiniM2022[Review], 27260575, 32860223)

CeGaT Center for Human Genetics Tuebingen
Classification: Uncertain significance. Last evaluated: 2025-09-01. Review status: criteria provided, single submitter. Criteria: CeGaT Center For Human Genetics Tuebingen Variant Classification Criteria Version 2. Collection method: clinical testing. Allele origin: germline. Affected: yes. Observed: 1 variant allele.
Comment: CABP2: PP3

NM_016366.3(CABP2):c.466G>A (p.Glu156Lys)

Gene: CABP2 (calcium binding protein 2; minus strand). Cytogenetic location: 11q13.2.
Variant type: single nucleotide variant.
Coding change: c.466G>A on transcript NM_016366.3 (MANE Select); coding-DNA position 466, G replaced by A.
Protein change: p.Glu156Lys; replaces glutamic acid 156 with lysine.
Molecular consequence: missense variant.
Genome position (GRCh38, 1-based): chr11:67,520,074, C>T on the plus strand (G>A on the coding strand, the complement: CABP2 is on the minus strand). VCF-style: chr11-67520074-C-T. GRCh37 (hg19) VCF-style: chr11-67287545-C-T.
Other names: c.484G>A, p.Glu162Lys (NM_001318496.2); c.466G>A (NM_016366.2); short protein forms E156K, E162K.
Identifiers: ClinVar variation 4280913 (VCV004280913.9).
Genomic context (GRCh38, chr11:67,520,074, plus strand): 5'-ACGCAGCCCTGCCCGCCCTCAGCCCCAGTGGCCGCACCTCCCGGAAGGCGTCCCGTAGCT[C>T]CCGGACACCGATCATGTCTGCCGTCTCTGCCAGCAGCTTGGGGCCCATCAGCTCCACGAA-3'
Protein context (NP_057450.2, residues 146-166): AETADMIGVR[Glu156Lys]LRDAFREFDT